The following is an entry in ClinVar:

NM_014476.6(PDLIM3):c.*12C>T

Gene: PDLIM3 (PDZ and LIM domain 3; minus strand). Cytogenetic location: 4q35.1.
Variant type: single nucleotide variant.
Coding change: c.*12C>T on transcript NM_014476.6 (MANE Select); 12 bases downstream of the stop codon, C replaced by T.
Molecular consequence: 3 prime UTR variant. On other transcripts: non-coding transcript variant (1).
Genome position (GRCh38, 1-based): chr4:185,502,282, G>A on the plus strand (C>T on the coding strand, the complement: PDLIM3 is on the minus strand). VCF-style: chr4-185502282-G-A. GRCh37 (hg19) VCF-style: chr4-186423436-G-A.
Other names: c.*12C>T (NM_001114107.5, NM_001257962.2, NM_001257963.2).
Identifiers: ClinVar variation 138676 (VCV000138676.8), dbSNP rs8315, ClinGen allele CA333144.

ClinVar aggregate classification (germline): Benign. Review status: criteria provided, multiple submitters, no conflicts (2 of 4 stars). 4 submissions from 4 submitters: Benign (4). Last evaluated 2023-04-04.

Allele frequency attached by ClinVar (database versions not stated): gnomAD 0.00865 and 0.00911; 1000 Genomes Project 0.00859; ESP Exome Variant Server 0.00946; gnomAD exomes 0.01113; TOPMed 0.00856; ExAC 0.01115; 1000 Genomes Project 30x 0.00812.
gnomAD v4.1: 18,765 of 1,613,670 alleles (1.2%); highest among the groups gnomAD compares: Middle Eastern, 3.1%; 164 homozygotes.

Submissions (4):

Women's Health and Genetics/Laboratory Corporation of America, LabCorp
Classification: Benign. Last evaluated: 2023-04-04. Review status: criteria provided, single submitter. Criteria: LabCorp Variant Classification Summary - May 2015. Collection method: clinical testing. Allele origin: germline.

Laboratory for Molecular Medicine, Mass General Brigham Personalized Medicine
Classification: Benign. Last evaluated: 2014-11-24. Review status: criteria provided, single submitter. Criteria: LMM Criteria. Collection method: clinical testing. Allele origin: germline. Observed: 13 variant alleles.
Comment: *12C>T in exon 8 of PDLIM3: This variant is not expected to have clinical signif icance because it has been identified in 1.3% (111/8600) of European American ch romosomes from a broad population by the NHLBI Exome Sequencing Project (dbSNP rs8315).

GeneDx
Classification: Benign. Last evaluated: 2014-05-20. Review status: criteria provided, single submitter. Criteria: GeneDx Variant Classification (06012015). Collection method: clinical testing. Allele origin: germline. Affected: yes.
Comment: This variant is considered likely benign or benign based on one or more of the following criteria: it is a conservative change, it occurs at a poorly conserved position in the protein, it is predicted to be benign by multiple in silico algorithms, and/or has population frequency not consistent with disease.

Breakthrough Genomics
Classification: Benign. Review status: criteria provided, single submitter. Criteria: ACMG Guidelines, 2015. Collection method: not provided. Allele origin: germline. Inheritance: Unknown mechanism. Affected: yes.